The following is an entry in ClinVar:

ClinVar aggregate classification (germline): Uncertain significance. Review status: criteria provided, multiple submitters, no conflicts (2 of 4 stars). 2 submissions from 2 submitters: Uncertain significance (2). Last evaluated 2024-06-20.

Allele frequency attached by ClinVar (database versions not stated): ExAC 0.00002; gnomAD exomes 0.00002; gnomAD 0.00006.
gnomAD v4.1: 23 of 1,199,370 alleles (0.0019%); highest among the groups gnomAD compares: Admixed American, 0.016%; no homozygotes.

Submissions (2):

Labcorp Genetics (formerly Invitae), Labcorp
Classification: Uncertain significance. Last evaluated: 2024-06-20. Review status: criteria provided, single submitter. Criteria: Invitae Variant Classification Sherloc (09022015). Collection method: clinical testing. Allele origin: germline.
Comment: This sequence change replaces isoleucine, which is neutral and non-polar, with valine, which is neutral and non-polar, at codon 288 of the STAG2 protein (p.Ile288Val). This variant is present in population databases (rs745329478, gnomAD 0.02%). This variant has not been reported in the literature in individuals affected with STAG2-related conditions. ClinVar contains an entry for this variant (Variation ID: 1315599). Advanced modeling of protein sequence and biophysical properties (such as structural, functional, and spatial information, amino acid conservation, physicochemical variation, residue mobility, and thermodynamic stability) performed at Invitae indicates that this missense variant is not expected to disrupt STAG2 protein function with a negative predictive value of 80%. In summary, the available evidence is currently insufficient to determine the role of this variant in disease. Therefore, it has been classified as a Variant of Uncertain Significance.

GeneDx
Classification: Uncertain significance. Last evaluated: 2020-02-05. Review status: criteria provided, single submitter. Criteria: GeneDx Variant Classification Process June 2021. Collection method: clinical testing. Allele origin: germline. Affected: yes.
Comment: In silico analysis supports that this missense variant does not alter protein structure/function; Has not been previously published as pathogenic or benign to our knowledge

NM_001042750.2(STAG2):c.862A>G (p.Ile288Val)

Gene: STAG2 (STAG2 cohesin complex component; plus strand). Cytogenetic location: Xq25.
Variant type: single nucleotide variant.
Coding change: c.862A>G on transcript NM_001042750.2 (MANE Select); coding-DNA position 862, A replaced by G.
Protein change: p.Ile288Val; replaces isoleucine 288 with valine.
Molecular consequence: missense variant.
Genome position (GRCh38, 1-based): chrX:124,049,047, A>G. VCF-style: chrX-124049047-A-G. GRCh37 (hg19) VCF-style: chrX-123182897-A-G.
Other names: c.862A>G, p.Ile288Val (NM_001042749.2, NM_001042751.2, NM_001282418.2 and 13 more transcripts); short protein forms I288V.
Identifiers: ClinVar variation 1315599 (VCV001315599.6), dbSNP rs745329478, ClinGen allele CA10508653.